The following is an entry in ClinVar:

ClinVar aggregate classification (germline): Uncertain significance. Review status: criteria provided, multiple submitters, no conflicts (2 of 4 stars). 2 submissions from 2 submitters: Uncertain significance (2). Last evaluated 2023-12-27.

Conditions:
Hereditary cancer-predisposing syndrome. Also called: Neoplastic Syndromes, Hereditary; Tumor predisposition; Hereditary neoplastic syndrome; Hereditary Cancer Syndrome. Identifiers: Orphanet 140162, MedGen C0027672, MeSH D009386, MONDO:0015356.

Allele frequency attached by ClinVar (database versions not stated): ExAC 0.00001; gnomAD exomes 0.00001 and 0.00002.

Submissions (2):

Labcorp Genetics (formerly Invitae), Labcorp
Classification: Uncertain significance. Last evaluated: 2023-12-27. Review status: criteria provided, single submitter. Criteria: Invitae Variant Classification Sherloc (09022015). Collection method: clinical testing. Allele origin: germline.
Comment: This sequence change falls in intron 1 of the XRCC2 gene. It does not directly change the encoded amino acid sequence of the XRCC2 protein. It affects a nucleotide within the consensus splice site. This variant is present in population databases (rs752941690, gnomAD 0.002%). This variant has not been reported in the literature in individuals affected with XRCC2-related conditions. ClinVar contains an entry for this variant (Variation ID: 824361). Variants that disrupt the consensus splice site are a relatively common cause of aberrant splicing (PMID: 17576681, 9536098). Algorithms developed to predict the effect of sequence changes on RNA splicing suggest that this variant may disrupt the consensus splice site. In summary, the available evidence is currently insufficient to determine the role of this variant in disease. Therefore, it has been classified as a Variant of Uncertain Significance.

Ambry Genetics
Classification: Uncertain significance for Hereditary cancer-predisposing syndrome. Last evaluated: 2020-09-29. Review status: criteria provided, single submitter. Criteria: Ambry Variant Classification Scheme 2023. Collection method: clinical testing. Allele origin: germline.
Comment: The c.39+5G>C intronic variant results from a G to C substitution 5 nucleotides after coding exon 1 in the XRCC2 gene. This nucleotide position is highly conserved in available vertebrate species. In silico splice site analysis for this alteration is inconclusive. Since supporting evidence is limited at this time, the clinical significance of this alteration remains unclear.

Literature cited by the submitters: PubMed 17576681 (cited by Labcorp Genetics (formerly Invitae), Labcorp); PubMed 9536098 (cited by Labcorp Genetics (formerly Invitae), Labcorp).

NM_005431.2(XRCC2):c.39+5G>C

Gene: XRCC2 (X-ray repair cross complementing 2; minus strand). Cytogenetic location: 7q36.1.
Variant type: single nucleotide variant.
Coding change: c.39+5G>C on transcript NM_005431.2 (MANE Select); 5 bases into the intron after coding-DNA position 39, G replaced by C.
Molecular consequence: intron variant.
Genome position (GRCh38, 1-based): chr7:152,676,036, C>G on the plus strand (G>C on the coding strand, the complement: XRCC2 is on the minus strand). VCF-style: chr7-152676036-C-G. GRCh37 (hg19) VCF-style: chr7-152373121-C-G.
Identifiers: ClinVar variation 824361 (VCV000824361.11), dbSNP rs752941690, ClinGen allele CA4582440.
Genomic context (GRCh38, chr7:152,676,036, plus strand): 5'-CGGCTCCCCTCGCCCACCGGCGGCCTTGTTCCCATCTCCCTCACTCCCAACCCGGCGGCT[C>G]TCACCTCGGTCCCAGACTCAGCCCTATGGAAGGCACTACACATCGCCCCGAAGGCTCGGC-3'